The following is an entry in ClinVar:

NM_172107.4(KCNQ2):c.810G>T (p.Trp270Cys)

Gene: KCNQ2 (potassium voltage-gated channel subfamily Q member 2; minus strand). Cytogenetic location: 20q13.33.
Variant type: single nucleotide variant.
Coding change: c.810G>T on transcript NM_172107.4 (MANE Select); coding-DNA position 810, G replaced by T.
Protein change: p.Trp270Cys; replaces tryptophan 270 with cysteine.
Molecular consequence: missense variant.
Genome position (GRCh38, 1-based): chr20:63,442,412, C>A on the plus strand (G>T on the coding strand, the complement: KCNQ2 is on the minus strand). VCF-style: chr20-63442412-C-A. GRCh37 (hg19) VCF-style: chr20-62073765-C-A.
Other names: c.810G>T, p.Trp270Cys (NM_004518.6, NM_172106.3, NM_172108.5 and 1 more transcripts); short protein forms W270C.
Identifiers: ClinVar variation 851253 (VCV000851253.12), dbSNP rs2081187047, ClinGen allele CA409653342.

ClinVar aggregate classification (germline): Likely pathogenic (1 of 4 stars; one submission).

Conditions:
Early-infantile DEE. Also called: Ohtahara syndrome; Early infantile epileptic encephalopathy with suppression bursts; Early infantile epileptic encephalopathy. Identifiers: Orphanet 1934, MedGen C0393706, MONDO:0800491.

Submission:

Labcorp Genetics (formerly Invitae), Labcorp
Classification: Likely pathogenic for Early-infantile DEE. Last evaluated: 2022-07-19. Review status: criteria provided, single submitter. Criteria: Invitae Variant Classification Sherloc (09022015). Collection method: clinical testing. Allele origin: germline.
Comment: This sequence change replaces tryptophan, which is neutral and slightly polar, with cysteine, which is neutral and slightly polar, at codon 270 of the KCNQ2 protein (p.Trp270Cys). In summary, the currently available evidence indicates that the variant is pathogenic, but additional data are needed to prove that conclusively. Therefore, this variant has been classified as Likely Pathogenic. This variant disrupts the p.Trp270 amino acid residue in KCNQ2. Other variant(s) that disrupt this residue have been determined to be pathogenic (PMID: 30478917). This suggests that this residue is clinically significant, and that variants that disrupt this residue are likely to be disease-causing. Advanced modeling of protein sequence and biophysical properties (such as structural, functional, and spatial information, amino acid conservation, physicochemical variation, residue mobility, and thermodynamic stability) performed at Invitae indicates that this missense variant is expected to disrupt KCNQ2 protein function. ClinVar contains an entry for this variant (Variation ID: 851253). This missense change has been observed in individual(s) with KCNQ2-related conditions (Invitae). This variant is not present in population databases (gnomAD no frequency).

Literature cited by the submitters: PubMed 30478917.